The following is an entry in ClinVar:

NM_001999.4(FBN2):c.422G>T (p.Cys141Phe)

Gene: FBN2 (fibrillin 2; minus strand). Cytogenetic location: 5q23.3.
Variant type: single nucleotide variant.
Coding change: c.422G>T on transcript NM_001999.4 (MANE Select); coding-DNA position 422, G replaced by T.
Protein change: p.Cys141Phe; replaces cysteine 141 with phenylalanine.
Molecular consequence: missense variant.
Genome position (GRCh38, 1-based): chr5:128,530,609, C>A on the plus strand (G>T on the coding strand, the complement: FBN2 is on the minus strand). VCF-style: chr5-128530609-C-A. GRCh37 (hg19) VCF-style: chr5-127866302-C-A.
Other names: short protein forms C141F.
Identifiers: ClinVar variation 4681064 (VCV004681064.1).

ClinVar aggregate classification (germline): Uncertain significance (1 of 4 stars; one submission).

Submission:

GeneDx
Classification: Uncertain significance. Last evaluated: 2025-06-30. Review status: criteria provided, single submitter. Criteria: GeneDx Variant Classification Process June 2021. Collection method: clinical testing. Allele origin: germline. Affected: yes.
Comment: Not observed at significant frequency in large population cohorts (gnomAD); In silico analysis supports that this missense variant has a deleterious effect on protein structure/function; Has not been previously published as pathogenic or benign to our knowledge; Does not occur within a calcium-binding-EGF-like domain (PMID: 19006240, 18767143); This variant is associated with the following publications: (PMID: 19006240, 18767143)